The following is an entry in ClinVar:

NM_004320.6(ATP2A1):c.2176G>A (p.Val726Met)

Gene: ATP2A1 (ATPase sarcoplasmic/endoplasmic reticulum Ca2+ transporting 1; plus strand). Cytogenetic location: 16p11.2.
Variant type: single nucleotide variant.
Coding change: c.2176G>A on transcript NM_004320.6 (MANE Select); coding-DNA position 2176, G replaced by A.
Protein change: p.Val726Met; replaces valine 726 with methionine.
Molecular consequence: missense variant.
Genome position (GRCh38, 1-based): chr16:28,901,938, G>A. VCF-style: chr16-28901938-G-A. GRCh37 (hg19) VCF-style: chr16-28913259-G-A.
Other names: c.1801G>A, p.Val601Met (NM_001286075.2); c.2176G>A, p.Val726Met (NM_173201.5); short protein forms V601M, V726M.
Identifiers: ClinVar variation 2178029 (VCV002178029.1), dbSNP rs368188148, ClinGen allele CA7987193.

ClinVar aggregate classification (germline): Uncertain significance (1 of 4 stars; one submission).

Conditions:
Brody myopathy. Also called: BRODY DISEASE. Identifiers: Orphanet 53347, MedGen C1832918, MONDO:0010977, OMIM 601003.

Allele frequency attached by ClinVar (database versions not stated): ExAC 0.00001; gnomAD exomes 0.00001; TOPMed 0.00001.
gnomAD v4.1: 8 of 1,614,242 alleles (0.0005%); highest among the groups gnomAD compares: East Asian, 0.0045%; no homozygotes.

Submission:

Labcorp Genetics (formerly Invitae), Labcorp
Classification: Uncertain significance for Brody myopathy. Last evaluated: 2022-07-22. Review status: criteria provided, single submitter. Criteria: Invitae Variant Classification Sherloc (09022015). Collection method: clinical testing. Allele origin: germline.
Comment: This sequence change replaces valine, which is neutral and non-polar, with methionine, which is neutral and non-polar, at codon 726 of the ATP2A1 protein (p.Val726Met). This variant is present in population databases (rs368188148, gnomAD 0.006%). This variant has not been reported in the literature in individuals affected with ATP2A1-related conditions. Algorithms developed to predict the effect of missense changes on protein structure and function are either unavailable or do not agree on the potential impact of this missense change (SIFT: "Deleterious"; PolyPhen-2: "Probably Damaging"; Align-GVGD: "Class C0"). In summary, the available evidence is currently insufficient to determine the role of this variant in disease. Therefore, it has been classified as a Variant of Uncertain Significance.